The following is an entry in ClinVar:

ClinVar aggregate classification (germline): Uncertain significance. Review status: criteria provided, multiple submitters, no conflicts (2 of 4 stars). 5 submissions from 5 submitters: Uncertain significance (4). 1 of the submissions does not count toward it. Last evaluated 2022-07-04.

Conditions:
Muscular dystrophy-dystroglycanopathy (congenital with impaired intellectual development), type B, 3. Also called: Muscular dystrophy-dystroglycanopathy (congenital with intellectual disability), type B3; MUSCULAR DYSTROPHY, CONGENITAL, POMGNT1-RELATED. Identifiers: MedGen C3150412, MONDO:0013155, OMIM 613151.
Autosomal recessive limb-girdle muscular dystrophy type 2O. Also called: MUSCULAR DYSTROPHY-DYSTROGLYCANOPATHY, LIMB-GIRDLE, POMGNT1-RELATED; Limb-Girdle Muscular Dystrophy Type 3C; MUSCULAR DYSTROPHY-DYSTROGLYCANOPATHY (LIMB-GIRDLE), TYPE C, 3. Identifiers: Orphanet 206564, MedGen C3150417, MONDO:0013161, OMIM 613157.
Muscle eye brain disease (MEB). Also called: Santavuori congenital muscular dystrophy. Identifiers: Orphanet 588, Orphanet 899, MedGen C0457133, MONDO:0018939.

Allele frequency attached by ClinVar (database versions not stated): ExAC 0.00002; TOPMed 0.00004; gnomAD 0.00003; gnomAD exomes 0.00002 and 0.00005.
gnomAD v4.1: 77 of 1,613,660 alleles (0.0048%); highest among the groups gnomAD compares: Non-Finnish European, 0.0063%; no homozygotes.

Submissions (5):

Labcorp Genetics (formerly Invitae), Labcorp
Classification: Uncertain significance for Autosomal recessive limb-girdle muscular dystrophy type 2O; Muscular dystrophy-dystroglycanopathy (congenital with impaired intellectual development), type B, 3. Last evaluated: 2022-07-04. Review status: criteria provided, single submitter. Criteria: Invitae Variant Classification Sherloc (09022015). Collection method: clinical testing. Allele origin: germline.
Comment: This sequence change replaces glutamic acid, which is acidic and polar, with glutamine, which is neutral and polar, at codon 645 of the POMGNT1 protein (p.Glu645Gln). This variant is present in population databases (rs778115320, gnomAD 0.005%). This variant has not been reported in the literature in individuals affected with POMGNT1-related conditions. ClinVar contains an entry for this variant (Variation ID: 289586). Advanced modeling of protein sequence and biophysical properties (such as structural, functional, and spatial information, amino acid conservation, physicochemical variation, residue mobility, and thermodynamic stability) performed at Invitae indicates that this missense variant is not expected to disrupt POMGNT1 protein function. In summary, the available evidence is currently insufficient to determine the role of this variant in disease. Therefore, it has been classified as a Variant of Uncertain Significance.

Revvity Omics, Revvity
Classification: Uncertain significance. Last evaluated: 2019-09-11. Review status: criteria provided, single submitter. Criteria: ACMG Guidelines, 2015. Collection method: clinical testing. Allele origin: germline.

GeneDx
Classification: Uncertain significance. Last evaluated: 2019-07-08. Review status: criteria provided, single submitter. Criteria: GeneDx Variant Classification Process June 2021. Collection method: clinical testing. Allele origin: germline. Affected: yes.
Comment: Not observed at a significant frequency in large population cohorts (Lek et al., 2016); The majority of missense variants in this gene are considered pathogenic (Stenson et al., 2014); In silico analysis, which includes protein predictors and evolutionary conservation, supports that this variant does not alter protein structure/function; Has not been previously published as pathogenic or benign to our knowledge

Eurofins Ntd Llc (ga)
Classification: Uncertain significance. Last evaluated: 2017-03-05. Review status: criteria provided, single submitter. Criteria: EGL Classification Definitions 2015. Collection method: clinical testing. Allele origin: germline. Observed: 3 variant alleles, 3 heterozygotes.

Natera, Inc.
Classification: Uncertain significance for Muscle-eye-brain disease. Last evaluated: 2019-10-28. Review status: no assertion criteria provided. Collection method: clinical testing. Allele origin: germline. Not counted in ClinVar's aggregate classification.

NM_017739.4(POMGNT1):c.1933G>C (p.Glu645Gln)

Genes: POMGNT1 (protein O-linked mannose N-acetylglucosaminyltransferase 1 (beta 1,2-); minus strand), TSPAN1 (tetraspanin 1; plus strand). Cytogenetic location: 1p34.1.
Variant type: single nucleotide variant.
Coding change: c.1933G>C on transcript NM_017739.4 (MANE Select); coding-DNA position 1933, G replaced by C.
Protein change: p.Glu645Gln; replaces glutamic acid 645 with glutamine.
Molecular consequence: missense variant. On other transcripts: intron variant (1).
Genome position (GRCh38, 1-based): chr1:46,189,320, C>G on the plus strand (G>C on the coding strand, the complement: POMGNT1 is on the minus strand). VCF-style: chr1-46189320-C-G. GRCh37 (hg19) VCF-style: chr1-46654992-C-G.
Other names: c.1907G>C, p.Gly636Ala (NM_001243766.2); c.1867G>C, p.Glu623Gln (NM_001290129.3); c.1504G>C, p.Glu502Gln (NM_001290130.2); c.1895+138G>C (NM_001410783.1); short protein forms G636A, E645Q, E502Q, E623Q.
Identifiers: ClinVar variation 289586 (VCV000289586.13), dbSNP rs778115320, ClinGen allele CA833185.